The following is an entry in ClinVar:

ClinVar aggregate classification (germline): Uncertain significance (1 of 4 stars; one submission).

Conditions:
Singleton-Merten syndrome 1 (SGMRT1). Also called: Widened medullary cavities of bone, aortic calcification, abnormal dentition, and muscular weakness; Syndrome of widened medullary cavities of the metacarpals and phalanges, aortic calcification and abnormal dentition. Identifiers: Orphanet 85191, MedGen C4225427, MONDO:0024535, OMIM 182250.
Aicardi-Goutieres syndrome 7 (AGS7). Identifiers: Orphanet 51, MedGen C3888244, MONDO:0014367, OMIM 615846.

Allele frequency attached by ClinVar (database versions not stated): gnomAD exomes below 0.00001.
gnomAD v4.1: 2 of 1,609,820 alleles (0.00012%); highest among the groups gnomAD compares: South Asian, 0.0022%; no homozygotes.

Submission:

Labcorp Genetics (formerly Invitae), Labcorp
Classification: Uncertain significance for Aicardi-Goutieres syndrome 7; Singleton-Merten syndrome 1. Last evaluated: 2022-12-31. Review status: criteria provided, single submitter. Criteria: Invitae Variant Classification Sherloc (09022015). Collection method: clinical testing. Allele origin: germline.
Comment: In summary, the available evidence is currently insufficient to determine the role of this variant in disease. Therefore, it has been classified as a Variant of Uncertain Significance. Advanced modeling of protein sequence and biophysical properties (such as structural, functional, and spatial information, amino acid conservation, physicochemical variation, residue mobility, and thermodynamic stability) has been performed at Invitae for this missense variant, however the output from this modeling did not meet the statistical confidence thresholds required to predict the impact of this variant on IFIH1 protein function. This variant has not been reported in the literature in individuals affected with IFIH1-related conditions. This variant is not present in population databases (gnomAD no frequency). This sequence change replaces asparagine, which is neutral and polar, with serine, which is neutral and polar, at codon 784 of the IFIH1 protein (p.Asn784Ser).

NM_022168.4(IFIH1):c.2351A>G (p.Asn784Ser)

Gene: IFIH1 (interferon induced with helicase C domain 1; minus strand). Cytogenetic location: 2q24.2.
Variant type: single nucleotide variant.
Coding change: c.2351A>G on transcript NM_022168.4 (MANE Select); coding-DNA position 2351, A replaced by G.
Protein change: p.Asn784Ser; replaces asparagine 784 with serine.
Molecular consequence: missense variant.
Genome position (GRCh38, 1-based): chr2:162,273,898, T>C on the plus strand (A>G on the coding strand, the complement: IFIH1 is on the minus strand). VCF-style: chr2-162273898-T-C. GRCh37 (hg19) VCF-style: chr2-163130408-T-C.
Other names: short protein forms N784S.
Identifiers: ClinVar variation 2932968 (VCV002932968.3), dbSNP rs2468954531, ClinGen allele CA348995978.